The following is an entry in ClinVar:

NM_014425.5(INVS):c.2185A>C (p.Thr729Pro)

Gene: INVS (inversin; plus strand). Cytogenetic location: 9q31.1.
Variant type: single nucleotide variant.
Coding change: c.2185A>C on transcript NM_014425.5 (MANE Select); coding-DNA position 2185, A replaced by C.
Protein change: p.Thr729Pro; replaces threonine 729 with proline.
Molecular consequence: missense variant. On other transcripts: non-coding transcript variant (1).
Genome position (GRCh38, 1-based): chr9:100,292,442, A>C. VCF-style: chr9-100292442-A-C. GRCh37 (hg19) VCF-style: chr9-103054724-A-C.
Other names: c.1897A>C, p.Thr633Pro (NM_001318381.2); c.1207A>C, p.Thr403Pro (NM_001318382.2); short protein forms T633P, T729P, T403P.
Identifiers: ClinVar variation 1927123 (VCV001927123.5), dbSNP rs2490115050, ClinGen allele CA374242296.
Genomic context (GRCh38, chr9:100,292,442, plus strand): 5'-GAAGGCAGTGATGGAAGCAGGCATCCAGGAGTTCCCTCTGTTGAGAAGTCCAGAGGTGAG[A>C]CAGCTGGCGATGAGCGGTGTGCAAAGGGGAAAGGCTTCGTGAAGCAGCCCTCCTGTATCA-3'
Protein context (NP_055240.2, residues 719-739): VPSVEKSRGE[Thr729Pro]AGDERCAKGK

ClinVar aggregate classification (germline): Uncertain significance (1 of 4 stars; one submission).

Conditions:
Nephronophthisis. Also called: Juvenile Nephronophthisis. Identifiers: Orphanet 655, MedGen C0687120, MONDO:0019005, HP:0000090.

Submission:

Labcorp Genetics (formerly Invitae), Labcorp
Classification: Uncertain significance for Nephronophthisis. Last evaluated: 2022-09-07. Review status: criteria provided, single submitter. Criteria: Invitae Variant Classification Sherloc (09022015). Collection method: clinical testing. Allele origin: germline.
Comment: In summary, the available evidence is currently insufficient to determine the role of this variant in disease. Therefore, it has been classified as a Variant of Uncertain Significance. Algorithms developed to predict the effect of missense changes on protein structure and function are either unavailable or do not agree on the potential impact of this missense change (SIFT: "Deleterious"; PolyPhen-2: "Benign"; Align-GVGD: "Class C0"). This variant has not been reported in the literature in individuals affected with INVS-related conditions. This variant is not present in population databases (gnomAD no frequency). This sequence change replaces threonine, which is neutral and polar, with proline, which is neutral and non-polar, at codon 729 of the INVS protein (p.Thr729Pro).